The following is an entry in ClinVar:

ClinVar aggregate classification (germline): Benign/Likely benign. Review status: criteria provided, multiple submitters, no conflicts (2 of 4 stars). 13 submissions from 12 submitters: Benign (7); Likely benign (4). 2 of the submissions do not count toward it. Last evaluated 2026-07-01.

Conditions:
Early-infantile DEE. Also called: Early infantile epileptic encephalopathy with suppression bursts; Ohtahara syndrome; Early infantile epileptic encephalopathy. Identifiers: Orphanet 1934, MedGen C0393706, MONDO:0800491.
Inborn genetic diseases. Identifiers: MedGen C0950123, MeSH D030342.
Generalized epilepsy with febrile seizures plus, type 2 (GEFSP2). Also called: GEFS+, TYPE 2. Identifiers: Orphanet 36387, MedGen C1858673, MONDO:0011461, OMIM 604403.
Migraine, familial hemiplegic, 3. Identifiers: Orphanet 569, MedGen C1864987, MONDO:0012320, OMIM 609634.

Allele frequency attached by ClinVar (database versions not stated): ESP Exome Variant Server 0.00046; gnomAD 0.00047 and 0.00062; TOPMed 0.00056; 1000 Genomes Project 0.00060; 1000 Genomes Project 30x 0.00062; gnomAD exomes 0.00102 and 0.00144; ExAC 0.00148.
gnomAD v4.1: 1,592 of 1,613,724 alleles (0.099%); highest among the groups gnomAD compares: South Asian, 0.86%; 22 homozygotes.

Submissions (13):

CeGaT Center for Human Genetics Tuebingen
Classification: Benign. Last evaluated: 2026-07-01. Review status: criteria provided, single submitter. Criteria: CeGaT Center For Human Genetics Tuebingen Variant Classification Criteria Version 2. Collection method: clinical testing. Allele origin: germline. Affected: yes. Observed: 20 variant alleles.
Comment: SCN1A: BP4, BS1, BS2

Labcorp Genetics (formerly Invitae), Labcorp
Classification: Benign for Early-infantile DEE. Last evaluated: 2026-01-26. Review status: criteria provided, single submitter. Criteria: Invitae Variant Classification Sherloc (09022015). Collection method: clinical testing. Allele origin: germline.

Blueprint Genetics
Classification: Likely benign. Last evaluated: 2024-11-05. Review status: criteria provided, single submitter. Criteria: ACMG Guidelines, 2015. Collection method: clinical testing. Allele origin: germline.

ARUP Laboratories, Molecular Genetics and Genomics, ARUP Laboratories
Classification: Benign. Last evaluated: 2024-06-18. Review status: criteria provided, single submitter. Criteria: ARUP Molecular Germline Variant Investigation Process 2024. Collection method: clinical testing. Allele origin: germline.

Illumina Laboratory Services, Illumina
Classification: Benign for Migraine, familial hemiplegic, 3. Last evaluated: 2018-01-13. Review status: criteria provided, single submitter. Criteria: ICSL Variant Classification Criteria 13 December 2019. Collection method: clinical testing. Allele origin: germline.
Comment: This variant was observed in the ICSL laboratory as part of a predisposition screen in an ostensibly healthy population. It had not been previously curated by ICSL or reported in the Human Gene Mutation Database (HGMD: prior to June 1st, 2018), and was therefore a candidate for classification through an automated scoring system. Utilizing variant allele frequency, disease prevalence and penetrance estimates, and inheritance mode, an automated score was calculated to assess if this variant is too frequent to cause the disease. Based on the score and internal cut-off values, a variant classified as benign is not then subjected to further curation. The score for this variant resulted in a classification of benign for this disease.

Illumina Laboratory Services, Illumina
Classification: Likely benign for Generalized epilepsy with febrile seizures plus, type 2. Last evaluated: 2018-01-13. Review status: criteria provided, single submitter. Criteria: ICSL Variant Classification Criteria 13 December 2019. Collection method: clinical testing. Allele origin: germline.
Comment: This variant was observed in the ICSL laboratory as part of a predisposition screen in an ostensibly healthy population. It had not been previously curated by ICSL or reported in the Human Gene Mutation Database (HGMD: prior to June 1st, 2018), and was therefore a candidate for classification through an automated scoring system. Utilizing variant allele frequency, disease prevalence and penetrance estimates, and inheritance mode, an automated score was calculated to assess if this variant is too frequent to cause the disease. Based on the score and internal cut-off values, a variant classified as likely benign is not then subjected to further curation. The score for this variant resulted in a classification of likely benign for this disease.

Athena Diagnostics
Classification: Benign. Last evaluated: 2017-01-19. Review status: criteria provided, single submitter. Criteria: Athena Diagnostics Criteria. Collection method: clinical testing. Allele origin: germline.

Ambry Genetics
Classification: Likely benign for Inborn genetic diseases. Last evaluated: 2016-04-19. Review status: criteria provided, single submitter. Criteria: Ambry Variant Classification Scheme 2023. Collection method: clinical testing. Allele origin: germline.

Eurofins Ntd Llc (ga)
Classification: Benign. Last evaluated: 2015-01-22. Review status: criteria provided, single submitter. Criteria: EGL Classification Definitions 2015. Collection method: clinical testing. Allele origin: germline. Observed: 1 variant allele, 1 heterozygote.

GeneDx
Classification: Benign. Last evaluated: 2014-06-11. Review status: criteria provided, single submitter. Criteria: GeneDx Variant Classification (06012015). Collection method: clinical testing. Allele origin: germline. Affected: yes.
Comment: This variant is considered likely benign or benign based on one or more of the following criteria: it is a conservative change, it occurs at a poorly conserved position in the protein, it is predicted to be benign by multiple in silico algorithms, and/or has population frequency not consistent with disease.

Breakthrough Genomics
Classification: Likely benign. Review status: criteria provided, single submitter. Criteria: ACMG Guidelines, 2015. Collection method: not provided. Allele origin: germline. Inheritance: Autosomal dominant inheritance. Affected: yes.

Clinical Genetics DNA and cytogenetics Diagnostics Lab, Erasmus MC, Erasmus Medical Center
Classification: Likely benign. Review status: no assertion criteria provided. Collection method: clinical testing. Allele origin: germline. Affected: yes. Study: VKGL Data-share Consensus. Not counted in ClinVar's aggregate classification.

Joint Genome Diagnostic Labs from Nijmegen and Maastricht, Radboudumc and MUMC+
Classification: Benign. Review status: no assertion criteria provided. Collection method: clinical testing. Allele origin: germline. Affected: yes. Study: VKGL Data-share Consensus. Not counted in ClinVar's aggregate classification.

Literature cited by the submitters: PubMed 20729507 (cited by Athena Diagnostics).

NM_001165963.4(SCN1A):c.4945C>T (p.Leu1649=)

Genes: SCN1A (sodium voltage-gated channel alpha subunit 1; minus strand), LOC102724058 (uncharacterized LOC102724058; plus strand). Cytogenetic location: 2q24.3.
Variant type: single nucleotide variant.
Coding change: c.4945C>T on transcript NM_001165963.4 (MANE Select); coding-DNA position 4945, C replaced by T.
Protein change: p.Leu1649=; no amino-acid change (leucine 1649 retained).
Molecular consequence: synonymous variant. On other transcripts: non-coding transcript variant (1).
Genome position (GRCh38, 1-based): chr2:165,992,330, G>A on the plus strand (C>T on the coding strand, the complement: SCN1A is on the minus strand). VCF-style: chr2-165992330-G-A. GRCh37 (hg19) VCF-style: chr2-166848840-G-A.
Other names: p.L1649L:CTG>TTG; c.4861C>T, p.Leu1621= (NM_001165964.3, NM_001353957.2, NM_001353958.2); c.4945C>T, p.Leu1649= (NM_001202435.3, NM_001353948.2); c.4912C>T, p.Leu1638= (NM_001353949.2, NM_001353950.2, NM_001353951.2 and 2 more transcripts); c.4909C>T, p.Leu1637= (NM_001353954.2, NM_001353955.2); c.4858C>T, p.Leu1620= (NM_001353960.2); c.2503C>T, p.Leu835= (NM_001353961.2).
Identifiers: ClinVar variation 195942 (VCV000195942.55), dbSNP rs148546224, ClinGen allele CA302866.